The following is an entry in ClinVar:

NM_148897.3(SDR9C7):c.215G>A (p.Arg72Gln)

Gene: SDR9C7 (short chain dehydrogenase/reductase family 9C member 7; minus strand). Cytogenetic location: 12q13.3.
Variant type: single nucleotide variant.
Coding change: c.215G>A on transcript NM_148897.3 (MANE Select); coding-DNA position 215, G replaced by A.
Protein change: p.Arg72Gln; replaces arginine 72 with glutamine.
Molecular consequence: missense variant.
Genome position (GRCh38, 1-based): chr12:56,934,047, C>T on the plus strand (G>A on the coding strand, the complement: SDR9C7 is on the minus strand). VCF-style: chr12-56934047-C-T. GRCh37 (hg19) VCF-style: chr12-57327831-C-T.
Other names: short protein forms R72Q.
Identifiers: ClinVar variation 1696023 (VCV001696023.7), dbSNP rs61743538, ClinGen allele CA6638229.
Genomic context (GRCh38, chr12:56,934,047, plus strand): 5'-CACTGGGCCGCCGCCTTGATGCTTTCGCTCTTGGTGACATCCAGTAGGGTGGTCTGCAGC[C>T]GATAGGAGGTATCCCGCTGAAGTTTCTGGGATCCCTCCTCAGTGAAGCAAGCAGCCAGCA-3'
Protein context (NP_683695.1, residues 62-82): SQKLQRDTSY[Arg72Gln]LQTTLLDVTK

ClinVar aggregate classification (germline): Benign/Likely benign. Review status: criteria provided, multiple submitters, no conflicts (2 of 4 stars). 4 submissions from 4 submitters: Benign (1); Likely benign (2). 1 of the submissions does not count toward it. Last evaluated 2026-10-01.

Conditions:
SDR9C7-related disorder. Also called: SDR9C7-related condition.

Allele frequency attached by ClinVar (database versions not stated): gnomAD exomes 0.00037 and 0.00094; ExAC 0.00110; gnomAD 0.00316 and 0.00334; TOPMed 0.00363; ESP Exome Variant Server 0.00438; 1000 Genomes Project 0.00459; 1000 Genomes Project 30x 0.00468.
gnomAD v4.1: 1,061 of 1,614,170 alleles (0.066%); highest among the groups gnomAD compares: African/African-American, 1.1%; 7 homozygotes.

Submissions (4):

CeGaT Center for Human Genetics Tuebingen
Classification: Likely benign. Last evaluated: 2026-10-01. Review status: criteria provided, single submitter. Criteria: CeGaT Center For Human Genetics Tuebingen Variant Classification Criteria Version 2. Collection method: clinical testing. Allele origin: germline. Affected: yes. Observed: 1 variant allele.
Comment: SDR9C7: PM5, BP4, BS1

Labcorp Genetics (formerly Invitae), Labcorp
Classification: Benign. Last evaluated: 2026-01-28. Review status: criteria provided, single submitter. Criteria: Invitae Variant Classification Sherloc (09022015). Collection method: clinical testing. Allele origin: germline.

Women's Health and Genetics/Laboratory Corporation of America, LabCorp
Classification: Likely benign. Last evaluated: 2022-05-03. Review status: criteria provided, single submitter. Criteria: LabCorp Variant Classification Summary - May 2015. Collection method: clinical testing. Allele origin: germline.

PreventionGenetics, part of Exact Sciences
Classification: Benign for SDR9C7-related condition. Last evaluated: 2020-07-23. Review status: no assertion criteria provided. Collection method: clinical testing. Allele origin: germline. Not counted in ClinVar's aggregate classification.
Comment: This variant is classified as benign based on ACMG/AMP sequence variant interpretation guidelines (Richards et al. 2015 PMID: 25741868, with internal and published modifications).